The following is an entry in ClinVar:

NM_014915.3(ANKRD26):c.4994A>G (p.Lys1665Arg)

Gene: ANKRD26 (ankyrin repeat domain 26; minus strand). Cytogenetic location: 10p12.1.
Variant type: single nucleotide variant.
Coding change: c.4994A>G on transcript NM_014915.3 (MANE Select); coding-DNA position 4994, A replaced by G.
Protein change: p.Lys1665Arg; replaces lysine 1665 with arginine.
Molecular consequence: missense variant.
Genome position (GRCh38, 1-based): chr10:27,006,922, T>C on the plus strand (A>G on the coding strand, the complement: ANKRD26 is on the minus strand). VCF-style: chr10-27006922-T-C. GRCh37 (hg19) VCF-style: chr10-27295851-T-C.
Other names: c.4991A>G, p.Lys1664Arg (NM_001256053.2); short protein forms K1665R, K1664R.
Identifiers: ClinVar variation 3914407 (VCV003914407.2).

ClinVar aggregate classification (germline): Uncertain significance. Review status: criteria provided, multiple submitters, no conflicts (2 of 4 stars). 2 submissions from 2 submitters: Uncertain significance (2). Last evaluated 2026-01-20.

Conditions:
Inborn genetic diseases. Identifiers: MedGen C0950123, MeSH D030342.

Submissions (2):

Labcorp Genetics (formerly Invitae), Labcorp
Classification: Uncertain significance. Last evaluated: 2026-01-20. Review status: criteria provided, single submitter. Criteria: Invitae Variant Classification Sherloc (09022015). Collection method: clinical testing. Allele origin: germline.
Comment: This sequence change replaces lysine, which is basic and polar, with arginine, which is basic and polar, at codon 1665 of the ANKRD26 protein (p.Lys1665Arg). This variant is not present in population databases (gnomAD no frequency). This variant has not been reported in the literature in individuals affected with ANKRD26-related conditions. ClinVar contains an entry for this variant (Variation ID: 3914407). An algorithm developed to predict the effect of missense changes on protein structure and function outputs the following: PolyPhen-2: "Benign". The arginine amino acid residue is found in multiple mammalian species, which suggests that this missense change does not adversely affect protein function. In summary, the available evidence is currently insufficient to determine the role of this variant in disease. Therefore, it has been classified as a Variant of Uncertain Significance.

Ambry Genetics
Classification: Uncertain significance for Inborn genetic diseases. Last evaluated: 2025-05-15. Review status: criteria provided, single submitter. Criteria: Ambry Variant Classification Scheme 2023. Collection method: clinical testing. Allele origin: germline.
Comment: The p.K1665R variant (also known as c.4994A>G), located in coding exon 33 of the ANKRD26 gene, results from an A to G substitution at nucleotide position 4994. The lysine at codon 1665 is replaced by arginine, an amino acid with highly similar properties. This amino acid position is conserved. In addition, this alteration is predicted to be tolerated by in silico analysis. Based on the available evidence, the clinical significance of this variant remains unclear.